The following is an entry in ClinVar:

NM_002529.4(NTRK1):c.1178-31_1178-10del

Gene: NTRK1 (neurotrophic receptor tyrosine kinase 1; plus strand). Cytogenetic location: 1q23.1.
Variant type: Microsatellite.
Coding change: c.1178-31_1178-10del on transcript NM_002529.4 (MANE Select); 31 bases into the intron before coding-DNA position 1178 through 10 bases into the intron before coding-DNA position 1178, 22 bases deleted (TGACTGCTTTCTCTCCTCCCTC).
Molecular consequence: intron variant.
Genome position (GRCh38, 1-based): chr1:156,874,352-156,874,373, TGACTGCTTTCTCTCCTCCCTC deleted; deleting any 22 consecutive bases within chr1:156,874,320-156,874,373 gives the same sequence; the c. name uses the placement nearest the transcript's 3' end. VCF-style (leftmost placement, unchanged base first): chr1-156874319-CCTCCTCCCTCTGACTGCTTTCT-C. GRCh37 (hg19) VCF-style: chr1-156844111-CCTCCTCCCTCTGACTGCTTTCT-C.
Other names: c.1088-219_1088-198del (NM_001007792.1); c.1178-219_1178-198del (NM_001012331.2).
Identifiers: ClinVar variation 3039924 (VCV003039924.2), dbSNP rs940559666, ClinGen allele CA31116005.

ClinVar aggregate classification (germline): Likely benign (0 of 4 stars; one submission).

Conditions:
NTRK1-related disorder. Also called: NTRK1-related condition.

Submission:

PreventionGenetics, part of Exact Sciences
Classification: Likely benign for NTRK1-related condition. Last evaluated: 2020-01-13. Review status: no assertion criteria provided. Collection method: clinical testing. Allele origin: germline.
Comment: This variant is classified as likely benign based on ACMG/AMP sequence variant interpretation guidelines (Richards et al. 2015 PMID: 25741868, with internal and published modifications).